The following is an entry in ClinVar:

NM_001033046.4(CYBC1):c.65G>A (p.Arg22Gln)

Gene: CYBC1 (cytochrome b-245 chaperone 1; minus strand). Cytogenetic location: 17q25.3.
Variant type: single nucleotide variant.
Coding change: c.65G>A on transcript NM_001033046.4 (MANE Select); coding-DNA position 65, G replaced by A.
Protein change: p.Arg22Gln; replaces arginine 22 with glutamine.
Molecular consequence: missense variant. On other transcripts: non-coding transcript variant (1).
Genome position (GRCh38, 1-based): chr17:82,449,190, C>T on the plus strand (G>A on the coding strand, the complement: CYBC1 is on the minus strand). VCF-style: chr17-82449190-C-T. GRCh37 (hg19) VCF-style: chr17-80407066-C-T.
Other names: c.65G>A, p.Arg22Gln (NM_001100407.3, NM_001100408.3, NM_001193653.2 and 3 more transcripts); short protein forms R22Q.
Identifiers: ClinVar variation 2192677 (VCV002192677.1), dbSNP rs755945461, ClinGen allele CA8858413.

ClinVar aggregate classification (germline): Uncertain significance (1 of 4 stars; one submission).

Allele frequency attached by ClinVar (database versions not stated): gnomAD 0.00002; TOPMed 0.00002; ExAC 0.00003.
gnomAD v4.1: 30 of 1,580,606 alleles (0.0019%); highest among the groups gnomAD compares: South Asian, 0.023%; no homozygotes.

Submission:

Labcorp Genetics (formerly Invitae), Labcorp
Classification: Uncertain significance. Last evaluated: 2022-08-08. Review status: criteria provided, single submitter. Criteria: Invitae Variant Classification Sherloc (09022015). Collection method: clinical testing. Allele origin: germline.
Comment: This sequence change replaces arginine, which is basic and polar, with glutamine, which is neutral and polar, at codon 22 of the C17orf62 protein (p.Arg22Gln). This variant is present in population databases (rs755945461, gnomAD 0.03%). This variant has not been reported in the literature in individuals affected with C17orf62-related conditions. Algorithms developed to predict the effect of missense changes on protein structure and function (SIFT, PolyPhen-2, Align-GVGD) all suggest that this variant is likely to be disruptive. In summary, the available evidence is currently insufficient to determine the role of this variant in disease. Therefore, it has been classified as a Variant of Uncertain Significance.